The following is an entry in ClinVar:

ClinVar aggregate classification (germline): Uncertain significance (1 of 4 stars; one submission).

gnomAD v4.1: 2 of 1,555,900 alleles (0.00013%); highest among the groups gnomAD compares: African/African-American, 0.0014%; no homozygotes.

Submission:

GeneDx
Classification: Uncertain significance. Last evaluated: 2024-11-02. Review status: criteria provided, single submitter. Criteria: GeneDx Variant Classification Process June 2021. Collection method: clinical testing. Allele origin: germline. Affected: yes.
Comment: Not observed at significant frequency in large population cohorts (gnomAD); In silico analysis indicates that this missense variant does not alter protein structure/function; Has not been previously published as pathogenic or benign to our knowledge

NM_000785.4(CYP27B1):c.322T>C (p.Cys108Arg)

Gene: CYP27B1 (cytochrome P450 family 27 subfamily B member 1; minus strand). Cytogenetic location: 12q14.1.
Variant type: single nucleotide variant.
Coding change: c.322T>C on transcript NM_000785.4 (MANE Select); coding-DNA position 322, T replaced by C.
Protein change: p.Cys108Arg; replaces cysteine 108 with arginine.
Molecular consequence: missense variant.
Genome position (GRCh38, 1-based): chr12:57,766,071, A>G on the plus strand (T>C on the coding strand, the complement: CYP27B1 is on the minus strand). VCF-style: chr12-57766071-A-G. GRCh37 (hg19) VCF-style: chr12-58159854-A-G.
Other names: short protein forms C108R.
Identifiers: ClinVar variation 3898995 (VCV003898995.1).